The following is an entry in ClinVar:

NM_003001.5(SDHC):c.472C>A (p.Leu158Ile)

Gene: SDHC (succinate dehydrogenase complex subunit C; plus strand). Cytogenetic location: 1q23.3.
Variant type: single nucleotide variant.
Coding change: c.472C>A on transcript NM_003001.5 (MANE Select); coding-DNA position 472, C replaced by A.
Protein change: p.Leu158Ile; replaces leucine 158 with isoleucine.
Molecular consequence: missense variant. On other transcripts: non-coding transcript variant (1).
Genome position (GRCh38, 1-based): chr1:161,362,395, C>A. VCF-style: chr1-161362395-C-A. GRCh37 (hg19) VCF-style: chr1-161332185-C-A.
Other names: c.308C>A, p.Ser103Tyr (NM_001035511.3); c.370C>A, p.Leu124Ile (NM_001035512.3); c.313C>A, p.Leu105Ile (NM_001035513.3); c.206C>A, p.Ser69Tyr (NM_001278172.3); c.592C>A, p.Leu198Ile (NM_001407115.1); c.415C>A, p.Leu139Ile (NM_001407116.1); c.409C>A, p.Leu137Ile (NM_001407117.1); c.364C>A, p.Leu122Ile (NM_001407118.1); and 2 more; short protein forms L121I, S69Y, S84Y, L122I, L124I, L137I, L139I, L105I.
Identifiers: ClinVar variation 5029321 (VCV005029321.1).

ClinVar aggregate classification (germline): Uncertain significance (1 of 4 stars; one submission).

Conditions:
Hereditary cancer-predisposing syndrome. Also called: Neoplastic Syndromes, Hereditary; Tumor predisposition; Hereditary neoplastic syndrome; Hereditary Cancer Syndrome. Identifiers: Orphanet 140162, MedGen C0027672, MeSH D009386, MONDO:0015356.

gnomAD v4.1: 1 of 1,612,410 alleles (0.000062%); highest among the groups gnomAD compares: African/African-American, 0.0013%; no homozygotes.

Submission:

Ambry Genetics
Classification: Uncertain significance for Hereditary cancer-predisposing syndrome. Last evaluated: 2026-07-07. Review status: criteria provided, single submitter. Criteria: Ambry Variant Classification Scheme 2023. Collection method: clinical testing. Allele origin: germline.
Comment: The p.L158I variant (also known as c.472C>A), located in coding exon 6 of the SDHC gene, results from a C to A substitution at nucleotide position 472. The leucine at codon 158 is replaced by isoleucine, an amino acid with highly similar properties. This amino acid position is conserved. In addition, the in silico prediction for this alteration is inconclusive. Based on the available evidence, the clinical significance of this variant remains unclear.